The following is an entry in ClinVar:

NM_024496.4(IRF2BPL):c.947C>T (p.Thr316Ile)

Gene: IRF2BPL (interferon regulatory factor 2 binding protein like; minus strand). Cytogenetic location: 14q24.3.
Variant type: single nucleotide variant.
Coding change: c.947C>T on transcript NM_024496.4 (MANE Select); coding-DNA position 947, C replaced by T.
Protein change: p.Thr316Ile; replaces threonine 316 with isoleucine.
Molecular consequence: missense variant.
Genome position (GRCh38, 1-based): chr14:77,026,846, G>A on the plus strand (C>T on the coding strand, the complement: IRF2BPL is on the minus strand). VCF-style: chr14-77026846-G-A. GRCh37 (hg19) VCF-style: chr14-77493189-G-A.
Other names: c.947C>T (NM_024496.3); short protein forms T316I.
Identifiers: ClinVar variation 3110861 (VCV003110861.4), dbSNP rs140746135, ClinGen allele CA7283799.

ClinVar aggregate classification (germline): Likely benign. Review status: criteria provided, multiple submitters, no conflicts (2 of 4 stars). 4 submissions from 4 submitters: Likely benign (3). 1 of the submissions does not count toward it. Last evaluated 2026-08-01.

Conditions:
IRF2BPL-related disorder. Also called: IRF2BPL-related condition. Identifiers: MedGen CN381093.
Inborn genetic diseases. Identifiers: MedGen C0950123, MeSH D030342.

Allele frequency attached by ClinVar (database versions not stated): gnomAD 0.00035; TOPMed 0.00039; ESP Exome Variant Server 0.00046; 1000 Genomes Project 30x 0.00078; 1000 Genomes Project 0.00080.

Submissions (4):

CeGaT Center for Human Genetics Tuebingen
Classification: Likely benign. Last evaluated: 2026-08-01. Review status: criteria provided, single submitter. Criteria: CeGaT Center For Human Genetics Tuebingen Variant Classification Criteria Version 2. Collection method: clinical testing. Allele origin: germline. Affected: yes. Observed: 1 variant allele.
Comment: IRF2BPL: BS2

Blueprint Genetics
Classification: Likely benign. Last evaluated: 2024-07-18. Review status: criteria provided, single submitter. Criteria: ACMG Guidelines, 2015. Collection method: clinical testing. Allele origin: germline.

Ambry Genetics
Classification: Likely benign for Inborn genetic diseases. Last evaluated: 2023-11-29. Review status: criteria provided, single submitter. Criteria: Ambry Variant Classification Scheme 2023. Collection method: clinical testing. Allele origin: germline.

PreventionGenetics, part of Exact Sciences
Classification: Likely benign for IRF2BPL-related condition. Last evaluated: 2024-04-02. Review status: no assertion criteria provided. Collection method: clinical testing. Allele origin: germline. Not counted in ClinVar's aggregate classification.
Comment: This variant is classified as likely benign based on ACMG/AMP sequence variant interpretation guidelines (Richards et al. 2015 PMID: 25741868, with internal and published modifications).